The following is an entry in ClinVar:

NM_007194.4(CHEK2):c.1125G>T (p.Leu375Phe)

Gene: CHEK2 (checkpoint kinase 2; minus strand). Cytogenetic location: 22q12.1.
Variant type: single nucleotide variant.
Coding change: c.1125G>T on transcript NM_007194.4 (MANE Select); coding-DNA position 1125, G replaced by T.
Protein change: p.Leu375Phe; replaces leucine 375 with phenylalanine.
Molecular consequence: missense variant.
Genome position (GRCh38, 1-based): chr22:28,695,844, C>A on the plus strand (G>T on the coding strand, the complement: CHEK2 is on the minus strand). VCF-style: chr22-28695844-C-A. GRCh37 (hg19) VCF-style: chr22-29091832-C-A.
Other names: c.1254G>T, p.Leu418Phe (NM_001005735.3); c.462G>T, p.Leu154Phe (NM_001257387.3); c.924G>T, p.Leu308Phe (NM_001349956.3); c.1038G>T, p.Leu346Phe (NM_145862.3); c.1125G>T (NM_007194.3); short protein forms L308F, L418F, L154F, L346F, L375F.
Identifiers: ClinVar variation 3653836 (VCV003653836.3).
Genomic context (GRCh38, chr22:28,695,844, plus strand): 5'-AACTTCAGGCGCCAAGTAGGTGGGGGTTCCACATAAGGTTCTCATGAGAGAGGTCTCTCC[C>A]AAAATCTTGGAGTGCCCAAAATCAGTAATCTAAAATTCAGTACAAAAGGGAATAATGTTG-3'
Protein context (NP_009125.1, residues 365-385): KITDFGHSKI[Leu375Phe]GETSLMRTLC

ClinVar aggregate classification (germline): Uncertain significance. Review status: criteria provided, multiple submitters, no conflicts (2 of 4 stars). 3 submissions from 3 submitters: Uncertain significance (3). Last evaluated 2025-05-12.

Conditions:
Hereditary cancer-predisposing syndrome. Also called: Hereditary Cancer Syndrome; Neoplastic Syndromes, Hereditary; Hereditary neoplastic syndrome; Tumor predisposition. Identifiers: Orphanet 140162, MedGen C0027672, MeSH D009386, MONDO:0015356.
Familial cancer of breast. Also called: hereditary breast carcinoma; BREAST CANCER, FAMILIAL; Hereditary breast cancer. Identifiers: Orphanet 227535, MedGen C0346153, MONDO:0016419, OMIM 114480. Disease mechanism: loss of function.

Submissions (3):

Ambry Genetics
Classification: Uncertain significance for Hereditary cancer-predisposing syndrome. Last evaluated: 2025-05-12. Review status: criteria provided, single submitter. Criteria: Ambry Variant Classification Scheme 2023. Collection method: clinical testing. Allele origin: germline.
Comment: The p.L375F variant (also known as c.1125G>T), located in coding exon 10 of the CHEK2 gene, results from a G to T substitution at nucleotide position 1125. The leucine at codon 375 is replaced by phenylalanine, an amino acid with highly similar properties. This amino acid position is highly conserved in available vertebrate species. In addition, the in silico prediction for this alteration is inconclusive. Based on the available evidence, the clinical significance of this variant remains unclear.

Labcorp Genetics (formerly Invitae), Labcorp
Classification: Uncertain significance for Familial cancer of breast. Last evaluated: 2024-05-19. Review status: criteria provided, single submitter. Criteria: Invitae Variant Classification Sherloc (09022015). Collection method: clinical testing. Allele origin: germline.
Comment: This sequence change replaces leucine, which is neutral and non-polar, with phenylalanine, which is neutral and non-polar, at codon 375 of the CHEK2 protein (p.Leu375Phe). This variant is not present in population databases (gnomAD no frequency). This variant has not been reported in the literature in individuals affected with CHEK2-related conditions. An algorithm developed to predict the effect of missense changes on protein structure and function (PolyPhen-2) suggests that this variant is likely to be disruptive. In summary, the available evidence is currently insufficient to determine the role of this variant in disease. Therefore, it has been classified as a Variant of Uncertain Significance.

Color Diagnostics, LLC DBA Color Health
Classification: Uncertain significance for Hereditary cancer-predisposing syndrome. Last evaluated: 2024-02-04. Review status: criteria provided, single submitter. Criteria: ACMG Guidelines, 2015. Collection method: clinical testing. Allele origin: germline.
Comment: This missense variant replaces leucine with phenylalanine at codon 375 of the CHEK2 protein. Computational prediction suggests that this variant may not impact protein structure and function (internally defined REVEL score threshold <= 0.5, PMID: 27666373). To our knowledge, functional studies have not been reported for this variant. This variant has not been reported in individuals affected with CHEK2-related disorders in the literature. This variant has not been identified in the general population by the Genome Aggregation Database (gnomAD). The available evidence is insufficient to determine the role of this variant in disease conclusively. Therefore, this variant is classified as a Variant of Uncertain Significance.